The following is an entry in ClinVar:

NM_000093.5(COL5A1):c.1832G>A (p.Arg611Gln)

Gene: COL5A1 (collagen type V alpha 1 chain; plus strand). Cytogenetic location: 9q34.3.
Variant type: single nucleotide variant.
Coding change: c.1832G>A on transcript NM_000093.5 (MANE Select); coding-DNA position 1832, G replaced by A.
Protein change: p.Arg611Gln; replaces arginine 611 with glutamine.
Molecular consequence: missense variant.
Genome position (GRCh38, 1-based): chr9:134,756,769, G>A. VCF-style: chr9-134756769-G-A. GRCh37 (hg19) VCF-style: chr9-137648615-G-A.
Other names: c.1832G>A, p.Arg611Gln (NM_001278074.1); short protein forms R611Q.
Identifiers: ClinVar variation 663129 (VCV000663129.19), dbSNP rs200590188, ClinGen allele CA5319005.

ClinVar aggregate classification (germline): Conflicting classifications of pathogenicity. Review status: criteria provided, conflicting classifications (1 of 4 stars). 5 submissions from 5 submitters: Uncertain significance (3); Benign (1); Likely benign (1). Last evaluated 2025-12-31.

Conditions:
Ehlers-Danlos syndrome, classic type, 1 (EDSCL1). Also called: EDS I; EHLERS-DANLOS SYNDROME, GRAVIS TYPE; EHLERS-DANLOS SYNDROME, SEVERE CLASSIC TYPE; Ehlers-Danlos Syndrome, Classic Type, COL5A1-Related; Ehlers-Danlos syndrome, type 1. Identifiers: MedGen C0268335, MONDO:0019567, OMIM 130000.
Familial thoracic aortic aneurysm and aortic dissection (TAAD). Also called: Thoracic aortic aneurysms and dissections. Identifiers: Orphanet 91387, MedGen C4707243, MONDO:0019625.

Allele frequency attached by ClinVar (database versions not stated): ExAC 0.00001; gnomAD exomes 0.00004 and 0.00002; TOPMed 0.00013; gnomAD 0.00003 and 0.00011.
gnomAD v4.1: 77 of 1,613,882 alleles (0.0048%); highest among the groups gnomAD compares: East Asian, 0.0067%; no homozygotes.

Submissions (5):

Labcorp Genetics (formerly Invitae), Labcorp
Classification: Benign for Ehlers-Danlos syndrome, classic type, 1. Last evaluated: 2025-12-31. Review status: criteria provided, single submitter. Criteria: Invitae Variant Classification Sherloc (09022015). Collection method: clinical testing. Allele origin: germline.

Ambry Genetics
Classification: Uncertain significance for Familial thoracic aortic aneurysm and aortic dissection. Last evaluated: 2025-05-02. Review status: criteria provided, single submitter. Criteria: Ambry Variant Classification Scheme 2023. Collection method: clinical testing. Allele origin: germline.
Comment: The p.R611Q variant (also known as c.1832G>A), located in coding exon 17 of the COL5A1 gene, results from a G to A substitution at nucleotide position 1832. The arginine at codon 611 is replaced by glutamine, an amino acid with highly similar properties. This amino acid position is highly conserved in available vertebrate species. In addition, the in silico prediction for this alteration is inconclusive. Based on the available evidence, the clinical significance of this variant remains unclear.

Women's Health and Genetics/Laboratory Corporation of America, LabCorp
Classification: Likely benign. Last evaluated: 2025-04-21. Review status: criteria provided, single submitter. Criteria: LabCorp Variant Classification Summary - May 2015. Collection method: clinical testing. Allele origin: germline.
Comment: Variant summary: COL5A1 c.1832G>A (p.Arg611Gln) results in a conservative amino acid change in the encoded protein sequence. Three of five in-silico tools predict a damaging effect of the variant on protein function. The variant allele was found at a frequency of 4.8e-05 in 1613882 control chromosomes, predominantly at a frequency of 4.7e-05 within the Non-Finnish European subpopulation in the gnomAD database. The observed variant frequency within Non-Finnish European control individuals in the gnomAD database is approximately 1.5 fold of the estimated maximal expected allele frequency for a pathogenic variant in COL5A1 causing Ehlers-Danlos Syndrome phenotype (3.1e-05). To our knowledge, no occurrence of c.1832G>A in individuals affected with Ehlers-Danlos Syndrome and no experimental evidence demonstrating its impact on protein function have been reported. ClinVar contains an entry for this variant (Variation ID: 663129). Based on the evidence outlined above, the variant was classified as likely benign.

GeneDx
Classification: Uncertain significance. Last evaluated: 2024-11-11. Review status: criteria provided, single submitter. Criteria: GeneDx Variant Classification Process June 2021. Collection method: clinical testing. Allele origin: germline. Affected: yes.
Comment: Has not been previously published as pathogenic or benign to our knowledge; Not observed at significant frequency in large population cohorts (gnomAD); In silico analysis supports that this missense variant has a deleterious effect on protein structure/function; Occurs in the triple helical domain at the X position in the canonical Gly-X-Y repeat; although this variant may have an effect on normal protein folding and function, missense substitution at the X position is not a common mechanism of disease (PMID: 22696272; HGMD); This variant is associated with the following publications: (PMID: 22696272)

Victorian Clinical Genetics Services, Murdoch Childrens Research Institute
Classification: Uncertain significance for Ehlers-Danlos syndrome, classic type, 1. Last evaluated: 2022-03-31. Review status: criteria provided, single submitter. Criteria: ACMG Guidelines, 2015. Collection method: clinical testing. Allele origin: germline. Inheritance: Autosomal dominant inheritance. Affected: yes.
Comment: Based on the classification scheme VCGS_Germline_v1.3.4, this variant is classified as VUS-3B. Following criteria are met: 0102 - Loss of function is a known mechanism of disease in this gene and is associated with classic type Ehlers-Danlos syndrome, 1 (MIM#130000), whereas the mechanism of disease for multifocal fibromuscular dysplasia (MIM#619329) is unknown. Dominant negative is a suggested mechanism of disease (PMID: 23587214). (I) 0107 - This gene is associated with autosomal dominant disease. (I) 0200 - Variant is predicted to result in a missense amino acid change from arginine to glutamine. (I) 0251 - This variant is heterozygous. (I) 0302 - Variant is present in gnomAD (v3) <0.001 for a dominant condition (16 heterozygotes, 0 homozygotes). (SP) 0309 - An alternative amino acid change at the same position has been observed in gnomAD (v2) (20 heterozygotes, 0 homozygotes). (I) 0502 - Missense variant with conflicting in silico predictions and uninformative conservation. (I) 0600 - Variant is located at the annotated X position within a G-X-Y triple repeat motif (DECIPHER). (I) 0710 - Another missense variant comparable to the one identified in this case has inconclusive previous evidence for pathogenicity. This alternative change (p.(Arg611Trp)) has been reported as a VUS, and observed in individuals with multifocal fibromuscular dysplasia, an inherited bleeding disorder or corneal neuralgia. It has also been observed once in a control cohort (ClinVar, PMID: 32766464, PMID: 29924831, PMID: 32938213, PMID: 33161638). (I) 0809 - Previous evidence of pathogenicity for this variant is inconclusive. This variant has been reported as a VUS (ClinVar). (I) 0905 - No published segregation evidence has been identified for this variant. (I) 1007 - No published functional evidence has been identified for this variant. (I) 1208 - Inheritance information for this variant is not currently available in this individual. (I) Legend: (SP) - Supporting pathogenic, (I) - Information, (SB) - Supporting benign

Literature cited by the submitters: PubMed 23587214 (cited by Victorian Clinical Genetics Services, Murdoch Childrens Research Institute); PubMed 29924831 (cited by Victorian Clinical Genetics Services, Murdoch Childrens Research Institute); PubMed 32766464 (cited by Victorian Clinical Genetics Services, Murdoch Childrens Research Institute); PubMed 32938213 (cited by Victorian Clinical Genetics Services, Murdoch Childrens Research Institute); PubMed 33161638 (cited by Victorian Clinical Genetics Services, Murdoch Childrens Research Institute).